The following is an entry in ClinVar:

NM_006940.6(SOX5):c.1165-2A>G

Gene: SOX5 (SRY-box transcription factor 5; minus strand). Cytogenetic location: 12p12.1.
Variant type: single nucleotide variant.
Coding change: c.1165-2A>G on transcript NM_006940.6 (MANE Select); the canonical splice acceptor site of the intron before coding-DNA position 1165, A replaced by G.
Molecular consequence: splice acceptor variant. On other transcripts: intron variant (1).
Genome position (GRCh38, 1-based): chr12:23,575,840, T>C on the plus strand (A>G on the coding strand, the complement: SOX5 is on the minus strand). VCF-style: chr12-23575840-T-C. GRCh37 (hg19) VCF-style: chr12-23728774-T-C.
Other names: c.1126-2A>G (NM_152989.5); c.1125+28547A>G (NM_001261414.3); c.1135-2A>G (NM_001261415.3); c.1060-2A>G (NM_001330785.2); c.7-2A>G (NM_178010.4).
Identifiers: ClinVar variation 4886038 (VCV004886038.2).
Genomic context (GRCh38, chr12:23,575,840, plus strand): 5'-GATTTGCCATCAGAGGTCTTGGGTTTAGCTGATAGGTTCAGTGGCTGTGCCACTTCATCC[T>C]GCAATGATCATTAGAACATGAGCTGTGATAAGGAAAGGCTGATAAAAAATGCCTAGAAAA-3'

ClinVar aggregate classification (germline): Likely pathogenic (1 of 4 stars; one submission).

Submission:

Dasa
Classification: Likely pathogenic. Last evaluated: 2025-06-05. Review status: criteria provided, single submitter. Criteria: DASA Assertion Criteria. Collection method: clinical testing. Allele origin: germline.
Comment: NM_006940.6(SOX5):c.1165-2A>G affects a canonical splice site and is predicted to disrupt normal RNA splicing. Loss of function is an established disease mechanism for SOX5 (PMID: 22290657; PMID: 23498568; PMID: 23220431). Also, this variant is rare in population databases. Based on the currently available evidence, this variant is classified as likely pathogenic.

Literature cited by the submitters: PubMed 22290657; PubMed 23498568; PubMed 23220431.